The following is an entry in ClinVar:

ClinVar aggregate classification (germline): Uncertain significance (1 of 4 stars; one submission).

Submission:

Ambry Genetics
Classification: Uncertain significance. Last evaluated: 2025-08-25. Review status: criteria provided, single submitter. Criteria: Ambry Variant Classification Scheme 2023. Collection method: clinical testing. Allele origin: germline.
Comment: The p.M377I variant (also known as c.1131G>A), located in coding exon 9 of the RINT1 gene, results from a G to A substitution at nucleotide position 1131. The methionine at codon 377 is replaced by isoleucine, an amino acid with highly similar properties. This amino acid position is conserved. In addition, this alteration is predicted to be tolerated by in silico analysis. Since supporting evidence is limited at this time, the clinical significance of this alteration remains unclear.

NM_021930.6(RINT1):c.1131G>A (p.Met377Ile)

Gene: RINT1 (RAD50 interactor 1; plus strand). Cytogenetic location: 7q22.3.
Variant type: single nucleotide variant.
Coding change: c.1131G>A on transcript NM_021930.6 (MANE Select); coding-DNA position 1131, G replaced by A.
Protein change: p.Met377Ile; replaces methionine 377 with isoleucine.
Molecular consequence: missense variant. On other transcripts: non-coding transcript variant (1).
Genome position (GRCh38, 1-based): chr7:105,550,284, G>A. VCF-style: chr7-105550284-G-A. GRCh37 (hg19) VCF-style: chr7-105190731-G-A.
Other names: c.897G>A, p.Met299Ile (NM_001346599.2); c.108G>A, p.Met36Ile (NM_001346600.2, NM_001346603.2); c.207G>A, p.Met69Ile (NM_001346601.2); short protein forms M377I, M69I, M299I, M36I.
Identifiers: ClinVar variation 1728542 (VCV001728542.3), dbSNP rs2485132812, ClinGen allele CA368808811.
Genomic context (GRCh38, chr7:105,550,284, plus strand): 5'-TTTTATTTACATACCTCATGTTTGTGTATTTTTTTAGCTTGAATTTTCTCGGGGCCTTAT[G>A]ATGCTGGTTCTTGAGAAGTTAGCCACTGATATTCCTTGTCTGCTATATGATGACAATCTC-3'
Protein context (NP_068749.3, residues 367-387): NARLEFSRGL[Met377Ile]MLVLEKLATD